The following is an entry in ClinVar:

NM_001171613.2(PREPL):c.1069C>G (p.Leu357Val)

Gene: PREPL (prolyl endopeptidase like; minus strand). Cytogenetic location: 2p21.
Variant type: single nucleotide variant.
Coding change: c.1069C>G on transcript NM_001171613.2 (MANE Select); coding-DNA position 1069, C replaced by G.
Protein change: p.Leu357Val; replaces leucine 357 with valine.
Molecular consequence: missense variant. On other transcripts: intron variant (1).
Genome position (GRCh38, 1-based): chr2:44,332,476, G>C on the plus strand (C>G on the coding strand, the complement: PREPL is on the minus strand). VCF-style: chr2-44332476-G-C. GRCh37 (hg19) VCF-style: chr2-44559615-G-C.
Other names: c.1336C>G, p.Leu446Val (NM_006036.4, NM_001171603.1, NM_001171606.2 and 2 more transcripts); c.1150C>G, p.Leu384Val (NM_001042385.2); c.1069C>G, p.Leu357Val (NM_001171617.1, NM_001374277.1); c.1156-3364C>G (NM_001042386.2); short protein forms L357V, L384V, L446V.
Identifiers: ClinVar variation 855016 (VCV000855016.7), dbSNP rs1357123285, ClinGen allele CA346690974.
Genomic context (GRCh38, chr2:44,332,476, plus strand): 5'-CTTTCAGTAAATGGGAGCTGAAAGTGAAGATTATAAGACCTACCTTGCTTTTGGCTTCTA[G>C]ACGTAAAACGCGACTAGTCTTTGTGATTGGGTCTTCATGCCCAGTTTCCTCAAACAGTTT-3'
Protein context (NP_001165084.1, residues 347-367): PITKTSRVLR[Leu357Val]EAKSKDGKLV

ClinVar aggregate classification (germline): Uncertain significance (1 of 4 stars; one submission).

Conditions:
Myasthenic syndrome, congenital, 22 (CMS22). Also called: PREPL DEFICIENCY. Identifiers: MedGen C4479088, MONDO:0044299, OMIM 616224.

Allele frequency attached by ClinVar (database versions not stated): gnomAD 0.00001.

Submission:

Labcorp Genetics (formerly Invitae), Labcorp
Classification: Uncertain significance for Myasthenic syndrome, congenital, 22. Last evaluated: 2022-02-05. Review status: criteria provided, single submitter. Criteria: Invitae Variant Classification Sherloc (09022015). Collection method: clinical testing. Allele origin: germline.
Comment: In summary, the available evidence is currently insufficient to determine the role of this variant in disease. Therefore, it has been classified as a Variant of Uncertain Significance. Algorithms developed to predict the effect of missense changes on protein structure and function are either unavailable or do not agree on the potential impact of this missense change (SIFT: "Deleterious"; PolyPhen-2: "Benign"; Align-GVGD: "Class C0"). ClinVar contains an entry for this variant (Variation ID: 855016). This variant has not been reported in the literature in individuals affected with PREPL-related conditions. This variant is present in population databases (no rsID available, gnomAD 0.01%). This sequence change replaces leucine, which is neutral and non-polar, with valine, which is neutral and non-polar, at codon 446 of the PREPL protein (p.Leu446Val).